The following is an entry in ClinVar:

NM_001080467.3(MYO5B):c.3924C>T (p.His1308=)

Gene: MYO5B (myosin VB; minus strand). Cytogenetic location: 18q21.1.
Variant type: single nucleotide variant.
Coding change: c.3924C>T on transcript NM_001080467.3 (MANE Select); coding-DNA position 3924, C replaced by T.
Protein change: p.His1308=; no amino-acid change (histidine 1308 retained).
Molecular consequence: synonymous variant.
Genome position (GRCh38, 1-based): chr18:49,863,247, G>A on the plus strand (C>T on the coding strand, the complement: MYO5B is on the minus strand). VCF-style: chr18-49863247-G-A. GRCh37 (hg19) VCF-style: chr18-47389617-G-A.
Other names: c.3924C>T (NM_001080467.2).
Identifiers: ClinVar variation 1480376 (VCV001480376.10), dbSNP rs375956613, ClinGen allele CA8960539.

ClinVar aggregate classification (germline): Likely benign. Review status: criteria provided, multiple submitters, no conflicts (2 of 4 stars). 3 submissions from 3 submitters: Likely benign (2). 1 of the submissions does not count toward it. Last evaluated 2025-11-18.

Conditions:
MYO5B-related disorder. Also called: MYO5B-related condition.

Allele frequency attached by ClinVar (database versions not stated): gnomAD 0.00001; gnomAD exomes 0.00001 and 0.00006; ExAC 0.00002; TOPMed 0.00002; ESP Exome Variant Server 0.00008.
gnomAD v4.1: 88 of 1,613,088 alleles (0.0055%); highest among the groups gnomAD compares: Non-Finnish European, 0.0069%; no homozygotes.

Submissions (3):

Labcorp Genetics (formerly Invitae), Labcorp
Classification: Likely benign. Last evaluated: 2025-11-18. Review status: criteria provided, single submitter. Criteria: Invitae Variant Classification Sherloc (09022015). Collection method: clinical testing. Allele origin: germline.

Blueprint Genetics
Classification: Likely benign. Last evaluated: 2021-12-01. Review status: criteria provided, single submitter. Criteria: ACMG Guidelines, 2015. Collection method: clinical testing. Allele origin: germline.

PreventionGenetics, part of Exact Sciences
Classification: Likely benign for MYO5B-related condition. Last evaluated: 2024-03-24. Review status: no assertion criteria provided. Collection method: clinical testing. Allele origin: germline. Not counted in ClinVar's aggregate classification.
Comment: This variant is classified as likely benign based on ACMG/AMP sequence variant interpretation guidelines (Richards et al. 2015 PMID: 25741868, with internal and published modifications).